The following is an entry in ClinVar:

ClinVar aggregate classification (germline): Pathogenic (1 of 4 stars; one submission).

Conditions:
Neurofibromatosis, type 1 (NF1). Also called: NEUROFIBROMATOSIS, TYPE I, SOMATIC; Peripheral type neurofibromatosis; Neurofibromatosis, type I; VON RECKLINGHAUSEN DISEASE. Identifiers: Orphanet 636, MedGen C0027831, MONDO:0018975, OMIM 162200. Disease mechanism: loss of function.

Submission:

3billion
Classification: Pathogenic for Neurofibromatosis, type 1. Last evaluated: 2021-10-02. Review status: criteria provided, single submitter. Criteria: ACMG Guidelines, 2015. Collection method: clinical testing. Allele origin: unknown. Affected: yes. Observed: 1 heterozygote.
Comment: Frameshift: predicted to result in a loss or disruption of normal protein function through nonsense-mediated decay (NMD) or protein truncation. Multiple pathogenic variants are reported downstream of the variant (PVS1_VS). It is not observed in the gnomAD v2.1.1 dataset (PM2). Patient's phenotype is considered compatible with Neurofibromatosis, type 1(3billion dataset, PP4). Therefore, this variant is classified as pathogenic according to the recommendation of ACMG/AMP guideline.

NM_001042492.3(NF1):c.2248del (p.Thr750fs)

Gene: NF1 (neurofibromin 1; plus strand). Cytogenetic location: 17q11.2.
Variant type: Deletion.
Coding change: c.2248del on transcript NM_001042492.3 (MANE Select); coding-DNA position 2248, one base deleted (A; older notation c.2248delA).
Protein change: p.Thr750fs; shifts the reading frame from threonine 750.
Molecular consequence: frameshift variant.
Genome position (GRCh38, 1-based): chr17:31,226,681, A deleted; the last of 2 consecutive A bases (chr17:31,226,680-31,226,681); deleting either gives the same sequence. VCF-style (leftmost placement, unchanged base first): chr17-31226679-CA-C. GRCh37 (hg19) VCF-style: chr17-29553697-CA-C.
Other names: c.2248delA, p.Thr750Glnfs (NM_000267.4, NM_001042492.2); short protein forms T750fs.
Identifiers: ClinVar variation 1320213 (VCV001320213.1), dbSNP rs2151426166, ClinGen allele CA2573054377.
Genomic context (GRCh38, chr17:31,226,679, plus strand): 5'-ATAACCTCTTGCCCAACTATAACACATTCATGGAGTTTGCCTCTGTCAGCAATATGATGT[CA>C]ACAGGTAAATGTGAATAGTGGTTTTTTTTACTCAGTCTGCCTCAAAGCACATGGCATCTG-3'